The following is an entry in ClinVar:

NM_001040108.2(MLH3):c.1532dup (p.Gln513fs)

Gene: MLH3 (mutL homolog 3; minus strand). Cytogenetic location: 14q24.3.
Variant type: Duplication.
Coding change: c.1532dup on transcript NM_001040108.2 (MANE Select); coding-DNA position 1532, one base duplicated (C; older notation c.1532dupC).
Protein change: p.Gln513fs; shifts the reading frame from glutamine 513.
Molecular consequence: frameshift variant.
Genome position (GRCh38, 1-based): chr14:75,048,124, G duplicated on the plus strand (C on the coding strand, the reverse complement: MLH3 is on the minus strand); the first of 3 consecutive G bases (chr14:75,048,124-75,048,126); duplicating any one gives the same sequence. VCF-style (leftmost placement, unchanged base first): chr14-75048123-A-AG. GRCh37 (hg19) VCF-style: chr14-75514826-A-AG.
Other names: c.1532dup, p.Gln513fs (NM_014381.3); c.1532dupC (NM_001040108.1); short protein forms Q513fs.
Identifiers: ClinVar variation 3657148 (VCV003657148.4).

ClinVar aggregate classification (germline): Conflicting classifications of pathogenicity. Review status: criteria provided, conflicting classifications (1 of 4 stars). 2 submissions from 2 submitters: Pathogenic (1); Uncertain significance (1). Last evaluated 2026-06-03.

Conditions:
Colorectal cancer, hereditary nonpolyposis, type 7. Identifiers: Orphanet 144, MedGen C1858380, MONDO:0013725, OMIM 614385.

Submissions (2):

Ambry Genetics
Classification: Pathogenic. Last evaluated: 2026-06-03. Review status: criteria provided, single submitter. Criteria: Ambry Variant Classification Scheme 2023. Collection method: clinical testing. Allele origin: germline.
Comment: The c.1532dupC pathogenic mutation, located in coding exon 1 of the MLH3 gene, results from a duplication of C at nucleotide position 1532, causing a translational frameshift with a predicted alternate stop codon (p.Q513Sfs*7). This variant is considered to be rare based on population cohorts in the Genome Aggregation Database (gnomAD). This alteration is expected to result in loss of function by premature protein truncation or nonsense-mediated mRNA decay. As such, this alteration is interpreted as a disease-causing mutation.

Labcorp Genetics (formerly Invitae), Labcorp
Classification: Uncertain significance for Colorectal cancer, hereditary nonpolyposis, type 7. Last evaluated: 2024-10-18. Review status: criteria provided, single submitter. Criteria: Invitae Variant Classification Sherloc (09022015). Collection method: clinical testing. Allele origin: germline.
Comment: This sequence change creates a premature translational stop signal (p.Gln513Serfs*7) in the MLH3 gene. It is expected to result in an absent or disrupted protein product. However, the current clinical and genetic evidence is not sufficient to establish whether loss-of-function variants in MLH3 cause disease. This variant is not present in population databases (gnomAD no frequency). This variant has not been reported in the literature in individuals affected with MLH3-related conditions. In summary, the available evidence is currently insufficient to determine the role of this variant in disease. Therefore, it has been classified as a Variant of Uncertain Significance.